The following is an entry in ClinVar:

ClinVar aggregate classification (germline): Uncertain significance (1 of 4 stars; one submission).

Conditions:
Brugada syndrome 5 (BRGDA5). Identifiers: Orphanet 130, Orphanet 871, MedGen C2748541, MONDO:0013015, OMIM 612838.

Allele frequency attached by ClinVar (database versions not stated): gnomAD exomes below 0.00001.
gnomAD v4.1: 1 of 948,708 alleles (0.00011%); highest among the groups gnomAD compares: Non-Finnish European, 0.00013%; no homozygotes.

Submission:

Labcorp Genetics (formerly Invitae), Labcorp
Classification: Uncertain significance for Brugada syndrome 5. Last evaluated: 2022-11-15. Review status: criteria provided, single submitter. Criteria: Invitae Variant Classification Sherloc (09022015). Collection method: clinical testing. Allele origin: germline.
Comment: Algorithms developed to predict the effect of missense changes on protein structure and function output the following: SIFT: "Tolerated"; PolyPhen-2: "Not Available"; Align-GVGD: "Class C0". The threonine amino acid residue is found in multiple mammalian species, which suggests that this missense change does not adversely affect protein function. In summary, the available evidence is currently insufficient to determine the role of this variant in disease. Therefore, it has been classified as a Variant of Uncertain Significance. ClinVar contains an entry for this variant (Variation ID: 941383). This sequence change replaces alanine, which is neutral and non-polar, with threonine, which is neutral and polar, at codon 11 of the SCN1B protein (p.Ala11Thr). This variant is not present in population databases (gnomAD no frequency). This variant has not been reported in the literature in individuals affected with SCN1B-related conditions.

NM_001037.5(SCN1B):c.31G>A (p.Ala11Thr)

Gene: SCN1B (sodium voltage-gated channel beta subunit 1; plus strand). Cytogenetic location: 19q13.11.
Variant type: single nucleotide variant.
Coding change: c.31G>A on transcript NM_001037.5 (MANE Select); coding-DNA position 31, G replaced by A.
Protein change: p.Ala11Thr; replaces alanine 11 with threonine.
Molecular consequence: missense variant.
Genome position (GRCh38, 1-based): chr19:35,030,851, G>A. VCF-style: chr19-35030851-G-A. GRCh37 (hg19) VCF-style: chr19-35521755-G-A.
Other names: c.31G>A, p.Ala11Thr (NM_199037.5); short protein forms A11T.
Identifiers: ClinVar variation 941383 (VCV000941383.9), dbSNP rs2064208679, ClinGen allele CA405327837.
Genomic context (GRCh38, chr19:35,030,851, plus strand): 5'-GGAGGGGGGCGCAGCACGCGCCGCGCAGCCATGGGGAGGCTGCTGGCCTTAGTGGTCGGC[G>A]CGGCACTGGGTGAGTGCGCGGGGGGCGCGCGCGGCCGGGGGGCACCGCGGGGGCACTGGC-3'
Protein context (NP_001028.1, residues 1-21): MGRLLALVVG[Ala11Thr]ALVSSACGGC